The following is an entry in ClinVar:

NM_000051.4(ATM):c.4175A>T (p.Tyr1392Phe)

Gene: ATM (ATM serine/threonine kinase; plus strand). Cytogenetic location: 11q22.3.
Variant type: single nucleotide variant.
Coding change: c.4175A>T on transcript NM_000051.4 (MANE Select); coding-DNA position 4175, A replaced by T.
Protein change: p.Tyr1392Phe; replaces tyrosine 1392 with phenylalanine.
Molecular consequence: missense variant.
Genome position (GRCh38, 1-based): chr11:108,289,042, A>T. VCF-style: chr11-108289042-A-T. GRCh37 (hg19) VCF-style: chr11-108159769-A-T.
Other names: c.4175A>T, p.Tyr1392Phe (NM_001351834.2); c.4175A>T (NM_000051.3); short protein forms Y1392F.
Identifiers: ClinVar variation 1384677 (VCV001384677.9), dbSNP rs876658239, ClinGen allele CA382530188.
Genomic context (GRCh38, chr11:108,289,042, plus strand): 5'-TGGATCCTGCTCCTAATCCACCTCATTTTCCATCGCATGTGATTAAAGCAACATTTGCCT[A>T]TATCAGCAATTGTCATAAAACCAAGTTAAAAAGCATTTTAGAAATTCTTTCCAAAAGCCC-3'
Protein context (NP_000042.3, residues 1382-1402): PSHVIKATFA[Tyr1392Phe]ISNCHKTKLK

ClinVar aggregate classification (germline): Uncertain significance. Review status: criteria provided, multiple submitters, no conflicts (2 of 4 stars). 2 submissions from 2 submitters: Uncertain significance (2). Last evaluated 2026-07-22.

Conditions:
Hereditary cancer-predisposing syndrome. Also called: Hereditary Cancer Syndrome; Neoplastic Syndromes, Hereditary; Hereditary neoplastic syndrome; Tumor predisposition. Identifiers: Orphanet 140162, MedGen C0027672, MeSH D009386, MONDO:0015356.
Ataxia-telangiectasia syndrome (AT). Also called: ATAXIA-TELANGIECTASIA, COMPLEMENTATION GROUP A; ATAXIA-TELANGIECTASIA, FRESNO VARIANT; Cerebello-oculocutaneous telangiectasia; Immunodeficiency with ataxia telangiectasia; Ataxia-telangiectasia, complementation group E; Ataxia-telangiectasia. Identifiers: Orphanet 100, MedGen C0004135, MONDO:0008840, OMIM 208900.

Submissions (2):

Ambry Genetics
Classification: Uncertain significance for Hereditary cancer-predisposing syndrome. Last evaluated: 2026-07-22. Review status: criteria provided, single submitter. Criteria: Ambry Variant Classification Scheme 2023. Collection method: clinical testing. Allele origin: germline.
Comment: The p.Y1392F variant (also known as c.4175A>T), located in coding exon 27 of the ATM gene, results from an A to T substitution at nucleotide position 4175. The tyrosine at codon 1392 is replaced by phenylalanine, an amino acid with highly similar properties. In an assay testing ATM function, this variant showed a functionally normal result (Lee KS et al. Cell, 2025 Sep;188:5081-5099.e27). This amino acid position is well conserved in available vertebrate species. In addition, the in silico prediction for this alteration is inconclusive. Based on the available evidence, the clinical significance of this variant remains unclear.

Labcorp Genetics (formerly Invitae), Labcorp
Classification: Uncertain significance for Ataxia-telangiectasia syndrome. Last evaluated: 2021-04-04. Review status: criteria provided, single submitter. Criteria: Invitae Variant Classification Sherloc (09022015). Collection method: clinical testing. Allele origin: germline.
Comment: In summary, the available evidence is currently insufficient to determine the role of this variant in disease. Therefore, it has been classified as a Variant of Uncertain Significance. Advanced modeling of protein sequence and biophysical properties (such as structural, functional, and spatial information, amino acid conservation, physicochemical variation, residue mobility, and thermodynamic stability) performed at Invitae indicates that this missense variant is not expected to disrupt ATM protein function. This variant has not been reported in the literature in individuals with ATM-related conditions. This variant is not present in population databases (ExAC no frequency). This sequence change replaces tyrosine with phenylalanine at codon 1392 of the ATM protein (p.Tyr1392Phe). The tyrosine residue is moderately conserved and there is a small physicochemical difference between tyrosine and phenylalanine.

Literature cited by the submitters: PubMed 40580951 (cited by Ambry Genetics).